The following is an entry in ClinVar:

ClinVar aggregate classification (germline): Uncertain significance. Review status: criteria provided, multiple submitters, no conflicts (2 of 4 stars). 4 submissions from 4 submitters: Uncertain significance (4). Last evaluated 2026-04-28.

Conditions:
AARS1-related disorder. Also called: AARS1-related condition.
Inborn genetic diseases. Identifiers: MedGen C0950123, MeSH D030342.
Charcot-Marie-Tooth disease type 2. Also called: Charcot-Marie-Tooth type 2. Identifiers: Orphanet 64746, MedGen C0270914, MONDO:0018993.

Submissions (4):

PreventionGenetics, part of Exact Sciences
Classification: Uncertain significance for AARS1-related condition. Last evaluated: 2026-04-28. Review status: criteria provided, single submitter. Criteria: ACMG Guidelines, 2015. Collection method: clinical testing. Allele origin: germline.
Comment: The AARS1 c.2870C>G variant is predicted to result in the amino acid substitution p.Ser957Cys. To our knowledge, this variant has not been reported in the literature. This variant is reported in 0.00088% of alleles in individuals of European (non-Finnish) descent in gnomAD. At this time, the clinical significance of this variant is uncertain due to the absence of conclusive functional and genetic evidence.

Labcorp Genetics (formerly Invitae), Labcorp
Classification: Uncertain significance for Charcot-Marie-Tooth disease type 2. Last evaluated: 2023-04-20. Review status: criteria provided, single submitter. Criteria: Invitae Variant Classification Sherloc (09022015). Collection method: clinical testing. Allele origin: germline.
Comment: In summary, the available evidence is currently insufficient to determine the role of this variant in disease. Therefore, it has been classified as a Variant of Uncertain Significance. Advanced modeling of protein sequence and biophysical properties (such as structural, functional, and spatial information, amino acid conservation, physicochemical variation, residue mobility, and thermodynamic stability) performed at Invitae indicates that this missense variant is not expected to disrupt AARS protein function. ClinVar contains an entry for this variant (Variation ID: 565349). This variant has not been reported in the literature in individuals affected with AARS-related conditions. This variant is present in population databases (no rsID available, gnomAD 0.0009%). This sequence change replaces serine, which is neutral and polar, with cysteine, which is neutral and slightly polar, at codon 957 of the AARS protein (p.Ser957Cys).

Ambry Genetics
Classification: Uncertain significance for Inborn genetic diseases. Last evaluated: 2020-01-29. Review status: criteria provided, single submitter. Criteria: Ambry Variant Classification Scheme 2023. Collection method: clinical testing. Allele origin: germline.
Comment: The p.S957C variant (also known as c.2870C>G), located in coding exon 20 of the AARS gene, results from a C to G substitution at nucleotide position 2870. The serine at codon 957 is replaced by cysteine, an amino acid with dissimilar properties. This amino acid position is not well conserved in available vertebrate species. In addition, this alteration is predicted to be tolerated by in silico analysis. Since supporting evidence is limited at this time, the clinical significance of this alteration remains unclear.

ARUP Laboratories, Molecular Genetics and Genomics, ARUP Laboratories
Classification: Uncertain significance. Last evaluated: 2017-06-07. Review status: criteria provided, single submitter. Criteria: ARUP Molecular Germline Variant Investigation Process. Collection method: clinical testing. Allele origin: germline.
Comment: The p.Ser957Cys variant has not been reported in the medical literature, is not listed in gene-specific variant databases, nor has it been previously identified in our laboratory. It is listed in the Genome Aggregation Database (gnomAD) browser with an overall frequency of 0.0004% (identified in 1 out of 246,202 chromosomes). The serine at codon 957 is moderately conserved considering 15 species (Alamut software v2.9), and computational analyses return mixed results regarding the effect of this variant on AARS protein structure/function (SIFT: damaging, PolyPhen2: possibly damaging, and Mutation Taster: polymorphism). Thus, based on the available information, the clinical significance of the p.Ser957Cys variant cannot be determined with certainty.

NM_001605.3(AARS1):c.2870C>G (p.Ser957Cys)

Gene: AARS1 (alanyl-tRNA synthetase 1; minus strand). Cytogenetic location: 16q22.1.
Variant type: single nucleotide variant.
Coding change: c.2870C>G on transcript NM_001605.3 (MANE Select); coding-DNA position 2870, C replaced by G.
Protein change: p.Ser957Cys; replaces serine 957 with cysteine.
Molecular consequence: missense variant.
Genome position (GRCh38, 1-based): chr16:70,252,758, G>C on the plus strand (C>G on the coding strand, the complement: AARS1 is on the minus strand). VCF-style: chr16-70252758-G-C. GRCh37 (hg19) VCF-style: chr16-70286661-G-C.
Other names: short protein forms S957C.
Identifiers: ClinVar variation 565349 (VCV000565349.20), dbSNP rs146540551, ClinGen allele CA396553571.